The following is an entry in ClinVar:

NM_000081.4(LYST):c.6674G>A (p.Arg2225His)

Gene: LYST (lysosomal trafficking regulator; minus strand). Cytogenetic location: 1q42.3.
Variant type: single nucleotide variant.
Coding change: c.6674G>A on transcript NM_000081.4 (MANE Select); coding-DNA position 6674, G replaced by A.
Protein change: p.Arg2225His; replaces arginine 2225 with histidine.
Molecular consequence: missense variant.
Genome position (GRCh38, 1-based): chr1:235,759,179, C>T on the plus strand (G>A on the coding strand, the complement: LYST is on the minus strand). VCF-style: chr1-235759179-C-T. GRCh37 (hg19) VCF-style: chr1-235922479-C-T.
Other names: c.6674G>A, p.Arg2225His (NM_001301365.1); short protein forms R2225H.
Identifiers: ClinVar variation 2058122 (VCV002058122.1), dbSNP rs774836643, ClinGen allele CA1466334.

ClinVar aggregate classification (germline): Uncertain significance (1 of 4 stars; one submission).

Conditions:
Chédiak-Higashi syndrome (CHS). Also called: Chediak-Higashi Syndrome. Identifiers: Orphanet 167, MedGen C0007965, MONDO:0008963, OMIM 214500.

Allele frequency attached by ClinVar (database versions not stated): ExAC 0.00001; gnomAD exomes 0.00001; gnomAD 0.00003; TOPMed 0.00003.
gnomAD v4.1: 18 of 1,614,004 alleles (0.0011%); highest among the groups gnomAD compares: African/African-American, 0.004%; no homozygotes.

Submission:

Labcorp Genetics (formerly Invitae), Labcorp
Classification: Uncertain significance for Chédiak-Higashi syndrome. Last evaluated: 2022-08-07. Review status: criteria provided, single submitter. Criteria: Invitae Variant Classification Sherloc (09022015). Collection method: clinical testing. Allele origin: germline.
Comment: This sequence change replaces arginine, which is basic and polar, with histidine, which is basic and polar, at codon 2225 of the LYST protein (p.Arg2225His). This variant is present in population databases (rs774836643, gnomAD 0.01%). This variant has not been reported in the literature in individuals affected with LYST-related conditions. Algorithms developed to predict the effect of missense changes on protein structure and function output the following: SIFT: "Tolerated"; PolyPhen-2: "Benign"; Align-GVGD: "Class C0". The histidine amino acid residue is found in multiple mammalian species, which suggests that this missense change does not adversely affect protein function. In summary, the available evidence is currently insufficient to determine the role of this variant in disease. Therefore, it has been classified as a Variant of Uncertain Significance.